The following is an entry in ClinVar:

NM_004260.4(RECQL4):c.3560A>C (p.Tyr1187Ser)

Gene: RECQL4 (RecQ like helicase 4; minus strand). Cytogenetic location: 8q24.3.
Variant type: single nucleotide variant.
Coding change: c.3560A>C on transcript NM_004260.4 (MANE Select); coding-DNA position 3560, A replaced by C.
Protein change: p.Tyr1187Ser; replaces tyrosine 1187 with serine.
Molecular consequence: missense variant.
Genome position (GRCh38, 1-based): chr8:144,511,498, T>G on the plus strand (A>C on the coding strand, the complement: RECQL4 is on the minus strand). VCF-style: chr8-144511498-T-G. GRCh37 (hg19) VCF-style: chr8-145736881-T-G.
Other names: short protein forms Y1187S.
Identifiers: ClinVar variation 1026767 (VCV001026767.3), dbSNP rs1586787364, ClinGen allele CA372665836.

ClinVar aggregate classification (germline): Uncertain significance (1 of 4 stars; one submission).

Conditions:
Baller-Gerold syndrome (BGS). Also called: CRANIOSYNOSTOSIS WITH RADIAL DEFECTS. Identifiers: Orphanet 1225, MedGen C0265308, MONDO:0009039, OMIM 218600.

gnomAD v4.1: 1 of 1,612,574 alleles (0.000062%); no homozygotes.

Submission:

Labcorp Genetics (formerly Invitae), Labcorp
Classification: Uncertain significance for Baller-Gerold syndrome. Last evaluated: 2021-08-06. Review status: criteria provided, single submitter. Criteria: Invitae Variant Classification Sherloc (09022015). Collection method: clinical testing. Allele origin: germline.
Comment: Experimental studies and prediction algorithms are not available or were not evaluated, and the functional significance of this variant is currently unknown. This sequence change replaces tyrosine with serine at codon 1187 of the RECQL4 protein (p.Tyr1187Ser). The tyrosine residue is highly conserved and there is a large physicochemical difference between tyrosine and serine. This variant is not present in population databases (ExAC no frequency). This variant has not been reported in the literature in individuals with RECQL4-related conditions. In summary, the available evidence is currently insufficient to determine the role of this variant in disease. Therefore, it has been classified as a Variant of Uncertain Significance.